The following is an entry in ClinVar:

ClinVar aggregate classification (germline): Uncertain significance (1 of 4 stars; one submission).

Conditions:
DICER1-related tumor predisposition. Also called: DICER1 syndrome; DICER1-related pleuropulmonary blastoma cancer predisposition syndrome. Identifiers: Orphanet 284343, MedGen C3839822, MONDO:0100216.

Allele frequency attached by ClinVar (database versions not stated): gnomAD exomes below 0.00001.
gnomAD v4.1: 1 of 1,613,886 alleles (0.000062%); highest among the groups gnomAD compares: East Asian, 0.0022%; no homozygotes.

Submission:

Labcorp Genetics (formerly Invitae), Labcorp
Classification: Uncertain significance for DICER1-related tumor predisposition. Last evaluated: 2023-12-24. Review status: criteria provided, single submitter. Criteria: Invitae Variant Classification Sherloc (09022015). Collection method: clinical testing. Allele origin: germline.
Comment: This sequence change replaces phenylalanine, which is neutral and non-polar, with leucine, which is neutral and non-polar, at codon 854 of the DICER1 protein (p.Phe854Leu). This variant is not present in population databases (gnomAD no frequency). This variant has not been reported in the literature in individuals affected with DICER1-related conditions. Advanced modeling of protein sequence and biophysical properties (such as structural, functional, and spatial information, amino acid conservation, physicochemical variation, residue mobility, and thermodynamic stability) performed at Invitae indicates that this missense variant is expected to disrupt DICER1 protein function with a positive predictive value of 80%. In summary, the available evidence is currently insufficient to determine the role of this variant in disease. Therefore, it has been classified as a Variant of Uncertain Significance.

NM_177438.3(DICER1):c.2560T>C (p.Phe854Leu)

Gene: DICER1 (dicer 1, ribonuclease III; minus strand). Cytogenetic location: 14q32.13.
Variant type: single nucleotide variant.
Coding change: c.2560T>C on transcript NM_177438.3 (MANE Select); coding-DNA position 2560, T replaced by C.
Protein change: p.Phe854Leu; replaces phenylalanine 854 with leucine.
Molecular consequence: missense variant. On other transcripts: non-coding transcript variant (6).
Genome position (GRCh38, 1-based): chr14:95,107,970, A>G on the plus strand (T>C on the coding strand, the complement: DICER1 is on the minus strand). VCF-style: chr14-95107970-A-G. GRCh37 (hg19) VCF-style: chr14-95574307-A-G.
Other names: c.2155T>C, p.Phe719Leu (NM_001395696.1, NM_001395687.1, NM_001395688.1 and 2 more transcripts); c.877T>C, p.Phe293Leu (NM_001395697.1); c.2560T>C, p.Phe854Leu (NM_030621.4, NM_001195573.1, NM_001271282.3 and 13 more transcripts); c.2278T>C, p.Phe760Leu (NM_001395686.1); c.1993T>C, p.Phe665Leu (NM_001395691.1); short protein forms F293L, F719L, F760L, F665L, F854L.
Identifiers: ClinVar variation 2705230 (VCV002705230.3), dbSNP rs1595380414, ClinGen allele CA390881695.